The following is an entry in ClinVar:

ClinVar aggregate classification (germline): Pathogenic (3 of 4 stars; one submission).

Conditions:
Breast-ovarian cancer, familial, susceptibility to, 2 (BROVCA2). Also called: BRCA2 Hereditary Breast and Ovarian Cancer. Identifiers: Orphanet 145, MedGen C2675520, MONDO:0012933, OMIM 612555. Disease mechanism: loss of function.

Submission:

Evidence-based Network for the Interpretation of Germline Mutant Alleles (ENIGMA)
Classification: Pathogenic for Breast-ovarian cancer, familial, susceptibility to, 2. Last evaluated: 2016-09-08. Review status: reviewed by expert panel. Criteria: ENIGMA BRCA1/2 Classification Criteria (2015). Collection method: curation. Allele origin: germline.
Comment: Variant allele predicted to encode a truncated non-functional protein.

NM_000059.4(BRCA2):c.204dup (p.Pro69fs)

Gene: BRCA2 (BRCA2 DNA repair associated; plus strand). Cytogenetic location: 13q13.1.
Variant type: Duplication.
Coding change: c.204dup on transcript NM_000059.4 (MANE Select); coding-DNA position 204, one base duplicated (A; older notation c.204dupA).
Protein change: p.Pro69fs; shifts the reading frame from proline 69.
Molecular consequence: frameshift variant.
Genome position (GRCh38, 1-based): chr13:32,319,213, A duplicated; the last of 3 consecutive A bases (chr13:32,319,211-32,319,213); duplicating any one gives the same sequence. VCF-style (leftmost placement, unchanged base first): chr13-32319210-G-GA. GRCh37 (hg19) VCF-style: chr13-32893347-G-GA.
Other names: c.204dupA (NM_000059.3); short protein forms P69fs.
Identifiers: ClinVar variation 254473 (VCV000254473.2), dbSNP rs80359320, ClinGen allele CA10586480.
Genomic context (GRCh38, chr13:32,319,210, plus strand): 5'-AGAAGAATCTGAACATAAAAACAACAATTACGAACCAAACCTATTTAAAACTCCACAAAG[G>GA]AAACCATCTTATAATCAGCTGGCTTCAACTCCAATAATATTCAAAGAGCAAGGGCTGACT-3'